The following is an entry in ClinVar:

ClinVar aggregate classification (germline): Pathogenic (1 of 4 stars; one submission).

Submission:

Labcorp Genetics (formerly Invitae), Labcorp
Classification: Pathogenic. Last evaluated: 2025-06-12. Review status: criteria provided, single submitter. Criteria: Invitae Variant Classification Sherloc (09022015). Collection method: clinical testing. Allele origin: germline.
Comment: This sequence change creates a premature translational stop signal (p.Tyr4037Leufs*13) in the FAT1 gene. It is expected to result in an absent or disrupted protein product. Loss-of-function variants in FAT1 are known to be pathogenic (PMID: 30862798). This variant is not present in population databases (gnomAD no frequency). This variant has not been reported in the literature in individuals affected with FAT1-related conditions. ClinVar contains an entry for this variant (Variation ID: 2025904). For these reasons, this variant has been classified as Pathogenic.

Literature cited by the submitters: PubMed 30862798.

NM_005245.4(FAT1):c.12110_12111del (p.Tyr4037fs)

Gene: FAT1 (FAT atypical cadherin 1; minus strand). Cytogenetic location: 4q35.2.
Variant type: Deletion.
Coding change: c.12110_12111del on transcript NM_005245.4 (MANE Select); coding-DNA positions 12110 to 12111, 2 bases deleted (AC; older notation c.12110_12111delAC).
Protein change: p.Tyr4037fs; shifts the reading frame from tyrosine 4037.
Molecular consequence: frameshift variant.
Genome position (GRCh38, 1-based): chr4:186,598,118-186,598,119, GT deleted on the plus strand (AC on the coding strand, the reverse complement: FAT1 is on the minus strand). VCF-style (leftmost placement, unchanged base first): chr4-186598117-AGT-A. GRCh37 (hg19) VCF-style: chr4-187519271-AGT-A.
Other names: short protein forms Y4037fs.
Identifiers: ClinVar variation 2025904 (VCV002025904.4), dbSNP rs2477302963, ClinGen allele CA2580071721.
Genomic context (GRCh38, chr4:186,598,117, plus strand): 5'-AGGAACACGGATTGACGCTTATCTCACAGTGGGTCCCTATGTACAAGGCACTGCATTTGC[AGT>A]AATAACCTAAATCGGCAAAAAGGAACAAAAAAGTCCTATCACTCAATGACTCAGAAACCT-3'